The following is an entry in ClinVar:

NM_001066.3(TNFRSF1B):c.1034G>A (p.Arg345Gln)

Gene: TNFRSF1B (TNF receptor superfamily member 1B; plus strand). Cytogenetic location: 1p36.22.
Variant type: single nucleotide variant.
Coding change: c.1034G>A on transcript NM_001066.3 (MANE Select); coding-DNA position 1034, G replaced by A.
Protein change: p.Arg345Gln; replaces arginine 345 with glutamine.
Molecular consequence: missense variant.
Genome position (GRCh38, 1-based): chr1:12,202,100, G>A. VCF-style: chr1-12202100-G-A. GRCh37 (hg19) VCF-style: chr1-12262157-G-A.
Other names: short protein forms R345Q.
Identifiers: ClinVar variation 4540455 (VCV004540455.1).
Genomic context (GRCh38, chr1:12,202,100, plus strand): 5'-GCTCCAGCAGCAGCTCCCTGGAGAGCTCGGCCAGTGCGTTGGACAGAAGGGCGCCCACTC[G>A]GAACCAGCCACAGGCACCAGGCGTGGAGGCCAGTGGGGCCGGGGAGGCCCGGGCCAGCAC-3'
Protein context (NP_001057.1, residues 335-355): ASALDRRAPT[Arg345Gln]NQPQAPGVEA

ClinVar aggregate classification (germline): Uncertain significance (1 of 4 stars; one submission).

Conditions:
Meniere disease. Also called: Ménière's disease. Identifiers: MedGen C0025281, MONDO:0007972, OMIM 156000.

gnomAD v4.1: 138 of 1,577,460 alleles (0.0087%); highest among the groups gnomAD compares: South Asian, 0.034%; 1 homozygote.

Submission:

Meniere Disease Neuroscience Research Program, Faculty of Medicine and Health, Kolling Institute, The University of Sydney
Classification: Uncertain significance for Meniere disease. Last evaluated: 2025-12-27. Review status: criteria provided, single submitter. Criteria: ClinGen HL ACMG Specifications v1. Collection method: research. Allele origin: germline. Affected: yes.
Comment: This variant has an amino acid change at p.Arg345Gln. This indivial shares mutation chr1:12167150C>T in the TNFRSF1B gene.